The following is an entry in ClinVar:

NM_005633.4(SOS1):c.3665C>T (p.Thr1222Ile)

Gene: SOS1 (SOS Ras/Rac guanine nucleotide exchange factor 1; minus strand). Cytogenetic location: 2p22.1.
Variant type: single nucleotide variant.
Coding change: c.3665C>T on transcript NM_005633.4 (MANE Select); coding-DNA position 3665, C replaced by T.
Protein change: p.Thr1222Ile; replaces threonine 1222 with isoleucine.
Molecular consequence: missense variant.
Genome position (GRCh38, 1-based): chr2:38,986,161, G>A on the plus strand (C>T on the coding strand, the complement: SOS1 is on the minus strand). VCF-style: chr2-38986161-G-A. GRCh37 (hg19) VCF-style: chr2-39213302-G-A.
Other names: c.3644C>T, p.Thr1215Ile (NM_001382394.1); c.3620C>T, p.Thr1207Ile (NM_001382395.1); short protein forms T1207I, T1222I, T1215I.
Identifiers: ClinVar variation 2097036 (VCV002097036.4), dbSNP rs2528871702, ClinGen allele CA346362566.

ClinVar aggregate classification (germline): Uncertain significance (1 of 4 stars; one submission).

Conditions:
RASopathy. Also called: Noonan spectrum disorder; rasopathies. Identifiers: Orphanet 536391, MedGen C5555857, MONDO:0021060.

Allele frequency attached by ClinVar (database versions not stated): gnomAD exomes below 0.00001.
gnomAD v4.1: 1 of 1,613,844 alleles (0.000062%); highest among the groups gnomAD compares: Non-Finnish European, 0.000085%; no homozygotes.

Submission:

Labcorp Genetics (formerly Invitae), Labcorp
Classification: Uncertain significance for RASopathy. Last evaluated: 2025-08-14. Review status: criteria provided, single submitter. Criteria: Invitae Variant Classification Sherloc (09022015). Collection method: clinical testing. Allele origin: germline.
Comment: This sequence change replaces threonine, which is neutral and polar, with isoleucine, which is neutral and non-polar, at codon 1222 of the SOS1 protein (p.Thr1222Ile). This variant is not present in population databases (gnomAD no frequency). This variant has not been reported in the literature in individuals affected with SOS1-related conditions. ClinVar contains an entry for this variant (Variation ID: 2097036). Invitae Evidence Modeling of protein sequence and biophysical properties (such as structural, functional, and spatial information, amino acid conservation, physicochemical variation, residue mobility, and thermodynamic stability) indicates that this missense variant is not expected to disrupt SOS1 protein function with a negative predictive value of 95%. In summary, the available evidence is currently insufficient to determine the role of this variant in disease. Therefore, it has been classified as a Variant of Uncertain Significance.